The following is an entry in ClinVar:

ClinVar aggregate classification (germline): Uncertain significance (1 of 4 stars; one submission).

Conditions:
Cardiomyopathy (CMYO). Also called: Cardiomyopathies. Identifiers: Orphanet 167848, MedGen C0878544, MONDO:0004994, HP:0001638. Inheritance: Various modes of inheritance.

Submission:

Color Diagnostics, LLC DBA Color Health
Classification: Uncertain significance for Cardiomyopathy. Last evaluated: 2025-06-18. Review status: criteria provided, single submitter. Criteria: ACMG Guidelines, 2015. Collection method: clinical testing. Allele origin: germline.
Comment: This variant deletes 15 nucleotides in the last exon (exon 16) of the DSC2 gene, creating a frameshift and premature translation stop signal. This variant is expected to result in an absent or non-functional protein product. To our knowledge, this variant has not been reported in individuals affected with DSC2-related disorders in the literature. This variant has not been identified in the general population by the Genome Aggregation Database (gnomAD). The available evidence is insufficient to determine the role of this variant in disease conclusively. Therefore, this variant is classified as a Variant of Uncertain Significance.

NM_024422.6(DSC2):c.2609_2621delinsTG (p.Gly870fs)

Gene: DSC2 (desmocollin 2; minus strand). Cytogenetic location: 18q12.1.
Variant type: Indel.
Coding change: c.2609_2621delinsTG on transcript NM_024422.6 (MANE Select); coding-DNA positions 2609 to 2621, GTTGTTGCAGTGA replaced by TG.
Protein change: p.Gly870fs; shifts the reading frame from glycine 870.
Molecular consequence: frameshift variant. On other transcripts: 3 prime UTR variant (2).
Genome position (GRCh38, 1-based): chr18:31,068,100-31,068,112, TCACTGCAACAAC replaced by CA on the plus strand (GTTGTTGCAGTGA replaced by TG on the coding strand, the reverse complement: DSC2 is on the minus strand). VCF-style: chr18-31068100-TCACTGCAACAAC-CA. GRCh37 (hg19) VCF-style: chr18-28648066-TCACTGCAACAAC-CA.
Other names: c.2180_2192delinsTG, p.Gly727fs (NM_001406506.1); c.*111_*123delinsTG (NM_001406507.1, NM_004949.5); short protein forms G727fs, G870fs.
Identifiers: ClinVar variation 4757015 (VCV004757015.1).
Genomic context (GRCh38, chr18:31,068,100, plus strand): 5'-AGTGTCCTAAATTTGGGCTCCAAATTATCCAAAAATTCAAGCCCATCTTCTTCTTGTCGT[TCACTGCAACAAC>CA]CTACAGACCCAGCCACCGATCCTCTTCCTTCATAGTTATATGTCAGGACATAGTCTTGGG-3'